The following is an entry in ClinVar:

NM_005633.4(SOS1):c.2964+6T>C

Gene: SOS1 (SOS Ras/Rac guanine nucleotide exchange factor 1; minus strand). Cytogenetic location: 2p22.1.
Variant type: single nucleotide variant.
Coding change: c.2964+6T>C on transcript NM_005633.4 (MANE Select); 6 bases into the intron after coding-DNA position 2964, T replaced by C.
Molecular consequence: intron variant.
Genome position (GRCh38, 1-based): chr2:38,997,247, A>G on the plus strand (T>C on the coding strand, the complement: SOS1 is on the minus strand). VCF-style: chr2-38997247-A-G. GRCh37 (hg19) VCF-style: chr2-39224388-A-G.
Other names: c.2943+6T>C (NM_001382394.1); c.2964+6T>C (NM_001382395.1).
Identifiers: ClinVar variation 1331324 (VCV001331324.3), dbSNP rs766305289, ClinGen allele CA1624303.

ClinVar aggregate classification (germline): Uncertain significance (1 of 4 stars; one submission).

Allele frequency attached by ClinVar (database versions not stated): gnomAD exomes below 0.00001; TOPMed below 0.00001; ExAC 0.00001; gnomAD 0.00001.
gnomAD v4.1: 4 of 1,597,818 alleles (0.00025%); highest among the groups gnomAD compares: Non-Finnish European, 0.00017%; no homozygotes.

Submission:

GeneDx
Classification: Uncertain significance. Last evaluated: 2022-01-06. Review status: criteria provided, single submitter. Criteria: GeneDx Variant Classification Process June 2021. Collection method: clinical testing. Allele origin: germline. Affected: yes.
Comment: Has not been previously published as pathogenic or benign to our knowledge; In-silico analysis is inconclusive as to whether the variant alters gene splicing. In the absence of RNA/functional studies, the actual effect of this sequence change is unknown.; This variant is associated with the following publications: (PMID: 27535533)